The following is an entry in ClinVar:

ClinVar aggregate classification (germline): Uncertain significance. Review status: criteria provided, multiple submitters, no conflicts (2 of 4 stars). 3 submissions from 3 submitters: Uncertain significance (3). Last evaluated 2024-07-22.

Conditions:
Hereditary cancer-predisposing syndrome. Also called: Neoplastic Syndromes, Hereditary; Hereditary Cancer Syndrome; Hereditary neoplastic syndrome; Tumor predisposition. Identifiers: Orphanet 140162, MedGen C0027672, MeSH D009386, MONDO:0015356.
Familial adenomatous polyposis 1 (FAP1). Also called: FAMILIAL ADENOMATOUS POLYPOSIS 1, ATTENUATED; POLYPOSIS, ADENOMATOUS INTESTINAL. Identifiers: MedGen C2713442, MONDO:0021056, OMIM 175100. Disease mechanism: loss of function.

Submissions (3):

Ambry Genetics
Classification: Uncertain significance for Hereditary cancer-predisposing syndrome. Last evaluated: 2024-07-22. Review status: criteria provided, single submitter. Criteria: Ambry Variant Classification Scheme 2023. Collection method: clinical testing. Allele origin: germline.
Comment: The p.E443Q variant (also known as c.1327G>C), located in coding exon 10 of the APC gene, results from a G to C substitution at nucleotide position 1327. The glutamic acid at codon 443 is replaced by glutamine, an amino acid with highly similar properties. Missense alterations in APC are not a common cause of disease (Spier I et al. Genet Med. 2024 Feb;26(2):100992).This amino acid position is well conserved in available vertebrate species. In addition, in silico predictors for this gene do not accurately predict pathogenicity. Based on the available evidence, the clinical significance of this variant remains unclear.

Labcorp Genetics (formerly Invitae), Labcorp
Classification: Uncertain significance for Familial adenomatous polyposis 1. Last evaluated: 2024-04-08. Review status: criteria provided, single submitter. Criteria: Invitae Variant Classification Sherloc (09022015). Collection method: clinical testing. Allele origin: germline.
Comment: This sequence change replaces glutamic acid, which is acidic and polar, with glutamine, which is neutral and polar, at codon 443 of the APC protein (p.Glu443Gln). This variant is not present in population databases (gnomAD no frequency). This variant has not been reported in the literature in individuals affected with APC-related conditions. ClinVar contains an entry for this variant (Variation ID: 1060038). Advanced modeling of protein sequence and biophysical properties (such as structural, functional, and spatial information, amino acid conservation, physicochemical variation, residue mobility, and thermodynamic stability) performed at Invitae indicates that this missense variant is not expected to disrupt APC protein function with a negative predictive value of 95%. In summary, the available evidence is currently insufficient to determine the role of this variant in disease. Therefore, it has been classified as a Variant of Uncertain Significance.

Baylor Genetics
Classification: Uncertain significance for Familial adenomatous polyposis 1. Last evaluated: 2023-05-16. Review status: criteria provided, single submitter. Criteria: ACMG Guidelines, 2015. Collection method: clinical testing. Allele origin: unknown.

NM_000038.6(APC):c.1327G>C (p.Glu443Gln)

Gene: APC (APC regulator of Wnt signaling pathway; plus strand). Cytogenetic location: 5q22.2.
Variant type: single nucleotide variant.
Coding change: c.1327G>C on transcript NM_000038.6 (MANE Select); coding-DNA position 1327, G replaced by C.
Protein change: p.Glu443Gln; replaces glutamic acid 443 with glutamine.
Molecular consequence: missense variant.
Genome position (GRCh38, 1-based): chr5:112,821,910, G>C. VCF-style: chr5-112821910-G-C. GRCh37 (hg19) VCF-style: chr5-112157607-G-C.
Other names: c.1327G>C, p.Glu443Gln (NM_001127510.3, NM_001354895.2, NM_001354896.2); c.1273G>C, p.Glu425Gln (NM_001127511.3); c.1357G>C, p.Glu453Gln (NM_001354897.2); c.1252G>C, p.Glu418Gln (NM_001354898.2); c.1243G>C, p.Glu415Gln (NM_001354899.2); c.1150G>C, p.Glu384Gln (NM_001354900.2, NM_001354901.2); c.1054G>C, p.Glu352Gln (NM_001354902.2); c.1024G>C, p.Glu342Gln (NM_001354903.2); and 3 more; short protein forms E160Q, E283Q, E317Q, E342Q, E352Q, E384Q, E415Q, E418Q.
Identifiers: ClinVar variation 1060038 (VCV001060038.14), dbSNP rs1763168688, ClinGen allele CA16024210.